The following is an entry in ClinVar:

ClinVar aggregate classification (germline): Likely pathogenic. Review status: criteria provided, multiple submitters, no conflicts (2 of 4 stars). 2 submissions from 2 submitters: Likely pathogenic (2). Last evaluated 2025-04-18.

Conditions:
Autosomal recessive polycystic kidney disease (ARPKD). Also called: AR polycystic kidney disease. Identifiers: Orphanet 731, Orphanet 8378, MedGen C0085548, MeSH D017044, MONDO:0009889.
Polycystic kidney disease 4 (PKD4). Also called: Autosomal Recessive Polycystic Kidney Disease – PKHD1; PKD3; POLYCYSTIC KIDNEY AND HEPATIC DISEASE 1; POLYCYSTIC KIDNEY DISEASE, INFANTILE, TYPE I; POLYCYSTIC KIDNEY DISEASE 4 WITH OR WITHOUT POLYCYSTIC LIVER DISEASE. Identifiers: MedGen C4540575, MONDO:0033004, OMIM 263200.

Submissions (2):

Natera, Inc.
Classification: Likely pathogenic for Autosomal recessive polycystic kidney disease. Last evaluated: 2025-04-18. Review status: criteria provided, single submitter. Criteria: Natera Variant Classification Schema (03/2026). Collection method: clinical testing. Allele origin: germline.
Comment: The c.4065delT variant in PKHD1 is a frameshift variant predicted to shift the reading frame beginning at codon 1356 and leads to a stop codon 32 codons downstream. This variant is expected to result in nonsense mediated decay, truncation, or a dysfunctional protein product. This variant is rare in the general population with a frequency below the threshold expected for the associated phenotype(s). Given the available evidence, this variant is classified as Likely Pathogenic.

Fulgent Genetics
Classification: Likely pathogenic for Polycystic kidney disease 4. Last evaluated: 2024-04-18. Review status: criteria provided, single submitter. Criteria: ACMG Guidelines, 2015. Collection method: clinical testing. Allele origin: germline.

NM_138694.4(PKHD1):c.4065del (p.Leu1356fs)

Gene: PKHD1 (PKHD1 ciliary IPT domain containing fibrocystin/polyductin; minus strand). Cytogenetic location: 6p12.2.
Variant type: Deletion.
Coding change: c.4065del on transcript NM_138694.4 (MANE Select); coding-DNA position 4065, one base deleted (T; older notation c.4065delT).
Protein change: p.Leu1356fs; shifts the reading frame from leucine 1356.
Molecular consequence: frameshift variant.
Genome position (GRCh38, 1-based): chr6:52,025,745, A deleted on the plus strand (T on the coding strand, the reverse complement: PKHD1 is on the minus strand). VCF-style (leftmost placement, unchanged base first): chr6-52025744-GA-G. GRCh37 (hg19) VCF-style: chr6-51890542-GA-G.
Other names: c.4065del, p.Leu1356fs (NM_170724.3); c.4065delT (NM_138694.3); short protein forms L1356fs.
Identifiers: ClinVar variation 3593932 (VCV003593932.2).